The following is an entry in ClinVar:

NM_005236.3(ERCC4):c.295G>C (p.Glu99Gln)

Gene: ERCC4 (ERCC excision repair 4, endonuclease catalytic subunit; plus strand). Cytogenetic location: 16p13.12.
Variant type: single nucleotide variant.
Coding change: c.295G>C on transcript NM_005236.3 (MANE Select); coding-DNA position 295, G replaced by C.
Protein change: p.Glu99Gln; replaces glutamic acid 99 with glutamine.
Molecular consequence: missense variant.
Genome position (GRCh38, 1-based): chr16:13,922,118, G>C. VCF-style: chr16-13922118-G-C. GRCh37 (hg19) VCF-style: chr16-14015975-G-C.
Other names: short protein forms E99Q.
Identifiers: ClinVar variation 3573827 (VCV003573827.1).

ClinVar aggregate classification (germline): Uncertain significance. Review status: criteria provided, multiple submitters, no conflicts (2 of 4 stars). 2 submissions from 2 submitters: Uncertain significance (2). Last evaluated 2024-07-15.

Conditions:
XFE progeroid syndrome (XFEPS). Also called: XPF-ERCC1 PROGEROID SYNDROME. Identifiers: MedGen C1970416, MONDO:0012590, OMIM 610965.
Xeroderma pigmentosum, group F (XPF). Also called: XERODERMA PIGMENTOSUM, COMPLEMENTATION GROUP F; XERODERMA PIGMENTOSUM VI; XP, GROUP F; XERODERMA PIGMENTOSUM, TYPE F; Xeroderma pigmentosum, type 6; ERCC4-Related Xeroderma Pigmentosum. Identifiers: MedGen C0268140, MONDO:0010215, OMIM 278760.
Fanconi anemia complementation group Q. Identifiers: Orphanet 84, MedGen C3808988, MONDO:0014108, OMIM 615272.

Submissions (2):

GeneDx
Classification: Uncertain significance. Last evaluated: 2024-07-15. Review status: criteria provided, single submitter. Criteria: GeneDx Variant Classification Process June 2021. Collection method: clinical testing. Allele origin: germline. Affected: yes.
Comment: Not observed at significant frequency in large population cohorts (gnomAD); In silico analysis indicates that this missense variant does not alter protein structure/function; Has not been previously published as pathogenic or benign to our knowledge

Fulgent Genetics
Classification: Uncertain significance for Xeroderma pigmentosum, group F; XFE progeroid syndrome; Fanconi anemia complementation group Q. Last evaluated: 2024-03-07. Review status: criteria provided, single submitter. Criteria: ACMG Guidelines, 2015. Collection method: clinical testing. Allele origin: germline.